The following is an entry in ClinVar:

NM_001378454.1(ALMS1):c.3701C>A (p.Pro1234Gln)

Gene: ALMS1 (ALMS1 centrosome and basal body associated protein; plus strand). Cytogenetic location: 2p13.1.
Variant type: single nucleotide variant.
Coding change: c.3701C>A on transcript NM_001378454.1 (MANE Select); coding-DNA position 3701, C replaced by A.
Protein change: p.Pro1234Gln; replaces proline 1234 with glutamine.
Molecular consequence: missense variant.
Genome position (GRCh38, 1-based): chr2:73,450,228, C>A. VCF-style: chr2-73450228-C-A. GRCh37 (hg19) VCF-style: chr2-73677355-C-A.
Other names: c.3704C>A, p.Pro1235Gln (NM_015120.4); short protein forms P1234Q, P1235Q.
Identifiers: ClinVar variation 2766088 (VCV002766088.3), dbSNP rs565214018, ClinGen allele CA347276281.
Genomic context (GRCh38, chr2:73,450,228, plus strand): 5'-AGGCACAGAAAGTTTCACCTGTTCTTGGACCAGCTGACCAGAAGACTGGGACACCAACTC[C>A]AACCTCTGCTTCTTACTCACACACAGAGAAGCCTGGTATTTTCTACCAACAGGTCTTGCC-3'
Protein context (NP_001365383.1, residues 1224-1244): PADQKTGTPT[Pro1234Gln]TSASYSHTEK

ClinVar aggregate classification (germline): Uncertain significance (1 of 4 stars; one submission).

Conditions:
Alstrom syndrome (ALMS). Identifiers: Orphanet 64, MedGen C0268425, MONDO:0008763, OMIM 203800.

Submission:

Labcorp Genetics (formerly Invitae), Labcorp
Classification: Uncertain significance for Alstrom syndrome. Last evaluated: 2023-10-05. Review status: criteria provided, single submitter. Criteria: Invitae Variant Classification Sherloc (09022015). Collection method: clinical testing. Allele origin: germline.
Comment: This sequence change replaces proline, which is neutral and non-polar, with glutamine, which is neutral and polar, at codon 1235 of the ALMS1 protein (p.Pro1235Gln). This variant is not present in population databases (gnomAD no frequency). This variant has not been reported in the literature in individuals affected with ALMS1-related conditions. Experimental studies and prediction algorithms are not available or were not evaluated, and the functional significance of this variant is currently unknown. In summary, the available evidence is currently insufficient to determine the role of this variant in disease. Therefore, it has been classified as a Variant of Uncertain Significance.